The following is an entry in ClinVar:

NM_003620.4(PPM1D):c.1237_1238del (p.Pro413fs)

Gene: PPM1D (protein phosphatase, Mg2+/Mn2+ dependent 1D; plus strand). Cytogenetic location: 17q23.2.
Variant type: Deletion.
Coding change: c.1237_1238del on transcript NM_003620.4 (MANE Select); coding-DNA positions 1237 to 1238, 2 bases deleted (CC; older notation c.1237_1238delCC).
Protein change: p.Pro413fs; shifts the reading frame from proline 413.
Molecular consequence: frameshift variant.
Genome position (GRCh38, 1-based): chr17:60,656,818-60,656,819, CC deleted; deleting any 2 consecutive bases within chr17:60,656,816-60,656,819 gives the same sequence; the c. name uses the placement nearest the transcript's 3' end. VCF-style (leftmost placement, unchanged base first): chr17-60656815-TCC-T. GRCh37 (hg19) VCF-style: chr17-58734176-TCC-T.
Other names: short protein forms P413fs.
Identifiers: ClinVar variation 444411 (VCV000444411.47), dbSNP rs1555648565, ClinGen allele CA658653843.
Genomic context (GRCh38, chr17:60,656,815, plus strand): 5'-TACCTGAACCTGACTGACAGCCCTTCCTATAATAGTCAAGAAACCTGTGTGATGACTCCT[TCC>T]CCATGTTCTACACCACCAGTCAAGGTATATAGTTCCATAGTTTTTAAGTTATGTTTTAAT-3'

ClinVar aggregate classification (germline): Likely pathogenic. Review status: criteria provided, multiple submitters, no conflicts (2 of 4 stars). 3 submissions from 3 submitters: Likely pathogenic (3). Last evaluated 2020-05-15.

Conditions:
Intellectual developmental disorder with gastrointestinal difficulties and high pain threshold (JDVS). Also called: JANSEN-DE VRIES SYNDROME. Identifiers: Orphanet 653767, MedGen C4479517, MONDO:0044318, OMIM 617450.

Submissions (3):

Institute of Human Genetics, Clinical Exome/Genome Diagnostics Group, University Hospital Bonn
Classification: Likely pathogenic for Intellectual developmental disorder with gastrointestinal difficulties and high pain threshold. Last evaluated: 2020-05-15. Review status: criteria provided, single submitter. Criteria: ACMG Guidelines, 2015. Collection method: clinical testing. Allele origin: germline. Affected: yes.

CeGaT Center for Human Genetics Tuebingen
Classification: Likely pathogenic. Last evaluated: 2017-05-01. Review status: criteria provided, single submitter. Criteria: CeGaT Center For Human Genetics Tuebingen Variant Classification Criteria Version 2. Collection method: clinical testing. Allele origin: germline. Affected: yes. Observed: 1 variant allele.

Institute for Genomic Statistics and Bioinformatics, University Hospital Bonn
Classification: Likely pathogenic for Intellectual developmental disorder with gastrointestinal difficulties and high pain threshold. Review status: criteria provided, single submitter. Criteria: ACMG Guidelines, 2015. Collection method: clinical testing. Allele origin: de novo. Inheritance: Autosomal dominant inheritance. Affected: yes. Observed: 1 heterozygote.
Comment: The name of the variant is: NM_003620: c.1237_1238del;p.(Pro413Metfs*20). This variant leads to a shift of the reading frame and after 19 wrong amino acids to a premature stop codon . This variant is not recorded in the population-based databases. In the phanotype-related database ClinVar it is once listed as probably pathogenic, in HGMD and LOYD it is not listed. The ACMG classification of this variant is: probably pathogenic (class 4; PS2, PM1, PM2).